The following is an entry in ClinVar:

ClinVar aggregate classification (germline): Uncertain significance. Review status: criteria provided, multiple submitters, no conflicts (2 of 4 stars). 2 submissions from 2 submitters: Uncertain significance (2). Last evaluated 2024-03-15.

Conditions:
Inborn genetic diseases. Identifiers: MedGen C0950123, MeSH D030342.

Allele frequency attached by ClinVar (database versions not stated): gnomAD exomes below 0.00001; TOPMed below 0.00001.
gnomAD v4.1: 6 of 1,586,520 alleles (0.00038%); highest among the groups gnomAD compares: East Asian, 0.0023%; no homozygotes.

Submissions (2):

Labcorp Genetics (formerly Invitae), Labcorp
Classification: Uncertain significance. Last evaluated: 2024-03-15. Review status: criteria provided, single submitter. Criteria: Invitae Variant Classification Sherloc (09022015). Collection method: clinical testing. Allele origin: germline.
Comment: This sequence change replaces glycine, which is neutral and non-polar, with arginine, which is basic and polar, at codon 1190 of the CYFIP2 protein (p.Gly1190Arg). The frequency data for this variant in the population databases is considered unreliable, as metrics indicate poor data quality at this position in the gnomAD database. This variant has not been reported in the literature in individuals affected with CYFIP2-related conditions. ClinVar contains an entry for this variant (Variation ID: 2231882). Experimental studies and prediction algorithms are not available or were not evaluated, and the functional significance of this variant is currently unknown. In summary, the available evidence is currently insufficient to determine the role of this variant in disease. Therefore, it has been classified as a Variant of Uncertain Significance.

Ambry Genetics
Classification: Uncertain significance for Inborn genetic diseases. Last evaluated: 2021-07-08. Review status: criteria provided, single submitter. Criteria: Ambry Variant Classification Scheme 2023. Collection method: clinical testing. Allele origin: germline.

NM_001037333.3(CYFIP2):c.3568G>A (p.Gly1190Arg)

Genes: CYFIP2 (cytoplasmic FMR1 interacting protein 2; plus strand), NIPAL4-DT (NIPAL4 divergent transcript; minus strand), LOC126807569 (P300/CBP strongly-dependent group 1 enhancer GRCh37_chr5:156817055-156818254; plus strand). Cytogenetic location: 5q33.3.
Variant type: single nucleotide variant.
Coding change: c.3568G>A on transcript NM_001037333.3 (MANE Select); coding-DNA position 3568, G replaced by A.
Protein change: p.Gly1190Arg; replaces glycine 1190 with arginine.
Molecular consequence: missense variant.
Genome position (GRCh38, 1-based): chr5:157,390,642, G>A. VCF-style: chr5-157390642-G-A. GRCh37 (hg19) VCF-style: chr5-156817650-G-A.
Other names: c.3490G>A, p.Gly1164Arg (NM_001291721.2); c.3643G>A, p.Gly1215Arg (NM_001291722.2); c.3568G>A, p.Gly1190Arg (NM_014376.4); short protein forms G1190R, G1215R, G1164R.
Identifiers: ClinVar variation 2231882 (VCV002231882.4), dbSNP rs1424598314, ClinGen allele CA361983070.